The following is an entry in ClinVar:

NC_000005.9:g.(?_60183247)_(60199563_?)del

Gene: ERCC8 (ERCC excision repair 8, CSA ubiquitin ligase complex subunit; minus strand). Cytogenetic location: 5q12.1.
Variant type: Deletion.
Identifiers: ClinVar variation 2422325 (VCV002422325.3).

ClinVar aggregate classification (germline): Pathogenic (1 of 4 stars; one submission).

Submission:

Labcorp Genetics (formerly Invitae), Labcorp
Classification: Pathogenic. Last evaluated: 2022-08-01. Review status: criteria provided, single submitter. Criteria: Invitae Variant Classification Sherloc (09022015). Collection method: clinical testing. Allele origin: germline.
Comment: This variant is a gross deletion of the genomic region encompassing exon(s) 6-11 of the ERCC8 gene. While this deletion is not anticipated to lead to nonsense mediated decay, it is expected to disrupt the C-terminus of the protein. This variant has not been reported in the literature in individuals affected with ERCC8-related conditions. This variant disrupts a region of the ERCC8 protein in which other variant(s) (p.Gly257Arg) have been determined to be pathogenic (PMID: 30182135, 30871974). This suggests that this is a clinically significant region of the protein, and that variants that disrupt it are likely to be disease-causing. For these reasons, this variant has been classified as Pathogenic.

Literature cited by the submitters: PubMed 30182135; PubMed 30871974.